The following is an entry in ClinVar:

NM_022114.4(PRDM16):c.5G>A (p.Arg2Gln)

Genes: PRDM16 (PR/SET domain 16; plus strand), PRDM16-DT (PRDM16 divergent transcript; minus strand). Cytogenetic location: 1p36.32.
Variant type: single nucleotide variant.
Coding change: c.5G>A on transcript NM_022114.4 (MANE Select); coding-DNA position 5, G replaced by A.
Protein change: p.Arg2Gln; replaces arginine 2 with glutamine.
Molecular consequence: missense variant.
Genome position (GRCh38, 1-based): chr1:3,069,264, G>A. VCF-style: chr1-3069264-G-A. GRCh37 (hg19) VCF-style: chr1-2985828-G-A.
Other names: c.5G>A, p.Arg2Gln (NM_199454.3); c.5G>A (NM_022114.3); short protein forms R2Q.
Identifiers: ClinVar variation 1426495 (VCV001426495.9), dbSNP rs2100451649, ClinGen allele CA338002503.

ClinVar aggregate classification (germline): Uncertain significance. Review status: criteria provided, multiple submitters, no conflicts (2 of 4 stars). 2 submissions from 2 submitters: Uncertain significance (2). Last evaluated 2025-10-18.

Conditions:
Left ventricular noncompaction 8 (LVNC8). Identifiers: Orphanet 154, Orphanet 54260, MedGen C3809288, MONDO:0014152, OMIM 615373.
Inborn genetic diseases. Identifiers: MedGen C0950123, MeSH D030342.

Submissions (2):

Ambry Genetics
Classification: Uncertain significance for Inborn genetic diseases. Last evaluated: 2025-10-18. Review status: criteria provided, single submitter. Criteria: Ambry Variant Classification Scheme 2023. Collection method: clinical testing. Allele origin: germline.

Labcorp Genetics (formerly Invitae), Labcorp
Classification: Uncertain significance for Left ventricular noncompaction 8. Last evaluated: 2020-11-27. Review status: criteria provided, single submitter. Criteria: Invitae Variant Classification Sherloc (09022015). Collection method: clinical testing. Allele origin: germline.
Comment: This sequence change replaces arginine with glutamine at codon 2 of the PRDM16 protein (p.Arg2Gln). The arginine residue is weakly conserved and there is a small physicochemical difference between arginine and glutamine. This variant is not present in population databases (ExAC no frequency). This variant has not been reported in the literature in individuals with PRDM16-related conditions. Algorithms developed to predict the effect of missense changes on protein structure and function are either unavailable or do not agree on the potential impact of this missense change (SIFT: "Deleterious"; PolyPhen-2: "Probably Damaging"; Align-GVGD: "Class C0"). In summary, the available evidence is currently insufficient to determine the role of this variant in disease. Therefore, it has been classified as a Variant of Uncertain Significance.